The following is an entry in ClinVar:

NM_000069.3(CACNA1S):c.1113G>A (p.Thr371=)

Gene: CACNA1S (calcium voltage-gated channel subunit alpha1 S; minus strand). Cytogenetic location: 1q32.1.
Variant type: single nucleotide variant.
Coding change: c.1113G>A on transcript NM_000069.3 (MANE Select); coding-DNA position 1113, G replaced by A.
Protein change: p.Thr371=; no amino-acid change (threonine 371 retained).
Molecular consequence: synonymous variant.
Genome position (GRCh38, 1-based): chr1:201,085,473, C>T on the plus strand (G>A on the coding strand, the complement: CACNA1S is on the minus strand). VCF-style: chr1-201085473-C-T. GRCh37 (hg19) VCF-style: chr1-201054601-C-T.
Identifiers: ClinVar variation 1077539 (VCV001077539.19), dbSNP rs202245647, ClinGen allele CA077951.

ClinVar aggregate classification (germline): Likely benign. Review status: criteria provided, multiple submitters, no conflicts (2 of 4 stars). 5 submissions from 5 submitters: Likely benign (5). Last evaluated 2025-11-23.

Conditions:
Hypokalemic periodic paralysis, type 1. Also called: Hypokalemic Periodic Paralysis Type 1 (AD); HypoPP. Identifiers: Orphanet 681, MedGen C3714580, MONDO:0042979, OMIM 170400.
Malignant hyperthermia, susceptibility to, 5 (MHS5). Also called: CACNA1S-Related Malignant Hyperthermia Susceptibility. Identifiers: Orphanet 423, MedGen C1866077, MONDO:0011163, OMIM 601887.

Allele frequency attached by ClinVar (database versions not stated): gnomAD 0.00002; gnomAD exomes 0.00004; ExAC 0.00005; TOPMed 0.00005; ESP Exome Variant Server 0.00008.
gnomAD v4.1: 30 of 1,613,130 alleles (0.0019%); highest among the groups gnomAD compares: African/African-American, 0.0054%; no homozygotes.

Submissions (5):

Labcorp Genetics (formerly Invitae), Labcorp
Classification: Likely benign for Hypokalemic periodic paralysis, type 1; Malignant hyperthermia, susceptibility to, 5. Last evaluated: 2025-11-23. Review status: criteria provided, single submitter. Criteria: Invitae Variant Classification Sherloc (09022015). Collection method: clinical testing. Allele origin: germline.

CeGaT Center for Human Genetics Tuebingen
Classification: Likely benign. Last evaluated: 2025-03-01. Review status: criteria provided, single submitter. Criteria: CeGaT Center For Human Genetics Tuebingen Variant Classification Criteria Version 2. Collection method: clinical testing. Allele origin: germline. Affected: yes. Observed: 1 variant allele.
Comment: CACNA1S: BP4, BP7

Blueprint Genetics
Classification: Likely benign. Last evaluated: 2024-10-24. Review status: criteria provided, single submitter. Criteria: ACMG Guidelines, 2015. Collection method: clinical testing. Allele origin: germline.

All of Us Research Program, National Institutes of Health
Classification: Likely benign for Malignant hyperthermia, susceptibility to, 5. Last evaluated: 2023-11-30. Review status: criteria provided, single submitter. Criteria: ACMG Guidelines, 2015. Collection method: clinical testing. Allele origin: germline. Inheritance: Autosomal dominant inheritance. Observed: 4 variant alleles, 4 heterozygotes.
Comment: This study involves interpretation of variants in research participants for the purpose of population health screening. Participant phenotype was not available at the time of variant classification. Additional details can be found in publication PMID: 35346344, PMCID: PMC8962531

Color Diagnostics, LLC DBA Color Health
Classification: Likely benign for Malignant hyperthermia, susceptibility to, 5. Last evaluated: 2022-11-06. Review status: criteria provided, single submitter. Criteria: ACMG Guidelines, 2015. Collection method: clinical testing. Allele origin: germline.